The following is an entry in ClinVar:

ClinVar aggregate classification (germline): Conflicting classifications of pathogenicity. Review status: criteria provided, conflicting classifications (1 of 4 stars). 2 submissions from 2 submitters: Uncertain significance (1); Likely benign (1). Last evaluated 2025-11-19.

Allele frequency attached by ClinVar (database versions not stated): gnomAD exomes below 0.00001; gnomAD 0.00001; TOPMed 0.00001.
gnomAD v4.1: 2 of 1,601,602 alleles (0.00012%); highest among the groups gnomAD compares: Non-Finnish European, 0.00017%; no homozygotes.

Submissions (2):

Ambry Genetics
Classification: Uncertain significance. Last evaluated: 2025-11-19. Review status: criteria provided, single submitter. Criteria: Ambry Variant Classification Scheme 2023. Collection method: clinical testing. Allele origin: germline.
Comment: The c.548A>G (p.Y183C) alteration is located in exon 8 (coding exon 6) of the RNF13 gene. This alteration results from a A to G substitution at nucleotide position 548, causing the tyrosine (Y) at amino acid position 183 to be replaced by a cysteine (C). Based on data from gnomAD, the G allele has an overall frequency of 0.001% (2/282356) total alleles studied. The highest observed frequency was 0.002% (2/128910) of European (non-Finnish) alleles. Based on insufficient or conflicting evidence, the clinical significance of this alteration remains unclear.

Labcorp Genetics (formerly Invitae), Labcorp
Classification: Likely benign. Last evaluated: 2024-07-15. Review status: criteria provided, single submitter. Criteria: Invitae Variant Classification Sherloc (09022015). Collection method: clinical testing. Allele origin: germline.

NM_183381.3(RNF13):c.548A>G (p.Tyr183Cys)

Gene: RNF13 (ring finger protein 13; plus strand). Cytogenetic location: 3q25.1.
Variant type: single nucleotide variant.
Coding change: c.548A>G on transcript NM_183381.3 (MANE Select); coding-DNA position 548, A replaced by G.
Protein change: p.Tyr183Cys; replaces tyrosine 183 with cysteine.
Molecular consequence: missense variant. On other transcripts: non-coding transcript variant (1).
Genome position (GRCh38, 1-based): chr3:149,912,025, A>G. VCF-style: chr3-149912025-A-G. GRCh37 (hg19) VCF-style: chr3-149629812-A-G.
Other names: c.548A>G, p.Tyr183Cys (NM_001378285.1, NM_001378286.1, NM_007282.4); c.191A>G, p.Tyr64Cys (NM_001378287.1, NM_001378288.1, NM_001378289.1 and 2 more transcripts); c.155A>G, p.Tyr52Cys (NM_001378291.1); short protein forms Y52C, Y64C, Y183C.
Identifiers: ClinVar variation 1374386 (VCV001374386.7), dbSNP rs1250628602, ClinGen allele CA355011337.